The following is an entry in ClinVar:

ClinVar aggregate classification (germline): Benign/Likely benign. Review status: criteria provided, multiple submitters, no conflicts (2 of 4 stars). 8 submissions from 8 submitters: Benign (2); Likely benign (6). Last evaluated 2026-05-01.

Conditions:
Collagen 6-related myopathy. Identifiers: MedGen CN117976, MONDO:0100225.
Bethlem myopathy 1A. Also called: MYOPATHY, BENIGN CONGENITAL, WITH CONTRACTURES; Bethlem myopathy 1; Bethlem Muscular Dystrophy. Identifiers: Orphanet 610, MedGen CN029274, MONDO:0024530, OMIM 158810.

Allele frequency attached by ClinVar (database versions not stated): 1000 Genomes Project 0.00040; 1000 Genomes Project 30x 0.00062; gnomAD exomes 0.00129; gnomAD 0.00131 and 0.00147; ExAC 0.00152; TOPMed 0.00152; ESP Exome Variant Server 0.00238.
gnomAD v4.1: 2,763 of 1,614,188 alleles (0.17%); highest among the groups gnomAD compares: Non-Finnish European, 0.21%; 6 homozygotes.

Submissions (8):

CeGaT Center for Human Genetics Tuebingen
Classification: Likely benign. Last evaluated: 2026-05-01. Review status: criteria provided, single submitter. Criteria: CeGaT Center For Human Genetics Tuebingen Variant Classification Criteria Version 2. Collection method: clinical testing. Allele origin: germline. Affected: yes. Observed: 9 variant alleles.
Comment: COL6A3: BP4, BP7

Labcorp Genetics (formerly Invitae), Labcorp
Classification: Benign for Bethlem myopathy 1A. Last evaluated: 2026-01-27. Review status: criteria provided, single submitter. Criteria: Invitae Variant Classification Sherloc (09022015). Collection method: clinical testing. Allele origin: germline.

Blueprint Genetics
Classification: Likely benign. Last evaluated: 2024-11-18. Review status: criteria provided, single submitter. Criteria: ACMG Guidelines, 2015. Collection method: clinical testing. Allele origin: germline.

GeneDx
Classification: Likely benign. Last evaluated: 2020-07-14. Review status: criteria provided, single submitter. Criteria: GeneDx Variant Classification Process June 2021. Collection method: clinical testing. Allele origin: germline. Affected: yes.
Comment: This variant is associated with the following publications: (PMID: 30564623)

Illumina Laboratory Services, Illumina
Classification: Benign for Collagen VI-related myopathy. Last evaluated: 2018-01-12. Review status: criteria provided, single submitter. Criteria: ICSL Variant Classification Criteria 13 December 2019. Collection method: clinical testing. Allele origin: germline.
Comment: This variant was observed in the ICSL laboratory as part of a predisposition screen in an ostensibly healthy population. It had not been previously curated by ICSL or reported in the Human Gene Mutation Database (HGMD: prior to June 1st, 2018), and was therefore a candidate for classification through an automated scoring system. Utilizing variant allele frequency, disease prevalence and penetrance estimates, and inheritance mode, an automated score was calculated to assess if this variant is too frequent to cause the disease. Based on the score and internal cut-off values, a variant classified as benign is not then subjected to further curation. The score for this variant resulted in a classification of benign for this disease.

Eurofins Ntd Llc (ga)
Classification: Likely benign. Last evaluated: 2016-07-11. Review status: criteria provided, single submitter. Criteria: EGL Classification Definitions 2015. Collection method: clinical testing. Allele origin: germline. Observed: 12 variant alleles, 12 heterozygotes.

Breakthrough Genomics
Classification: Likely benign. Review status: criteria provided, single submitter. Criteria: ACMG Guidelines, 2015. Collection method: not provided. Allele origin: germline. Inheritance: Autosomal recessive inheritance. Affected: yes.

PreventionGenetics, part of Exact Sciences
Classification: Likely benign. Review status: criteria provided, single submitter. Criteria: ACMG Guidelines, 2015. Collection method: clinical testing. Allele origin: germline.

NM_004369.4(COL6A3):c.1761C>T (p.Ala587=)

Gene: COL6A3 (collagen type VI alpha 3 chain; minus strand). Cytogenetic location: 2q37.3.
Variant type: single nucleotide variant.
Coding change: c.1761C>T on transcript NM_004369.4 (MANE Select); coding-DNA position 1761, C replaced by T.
Protein change: p.Ala587=; no amino-acid change (alanine 587 retained).
Molecular consequence: synonymous variant.
Genome position (GRCh38, 1-based): chr2:237,381,051, G>A on the plus strand (C>T on the coding strand, the complement: COL6A3 is on the minus strand). VCF-style: chr2-237381051-G-A. GRCh37 (hg19) VCF-style: chr2-238289694-G-A.
Other names: c.540C>T, p.Ala180= (NM_057164.5, NM_057166.5); c.1143C>T, p.Ala381= (NM_057165.5, NM_057167.4).
Identifiers: ClinVar variation 197762 (VCV000197762.60), dbSNP rs34978064, ClinGen allele CA246080.